The following is an entry in ClinVar:

NM_000171.4(GLRA1):c.311A>G (p.Asn104Ser)

Gene: GLRA1 (glycine receptor alpha 1; minus strand). Cytogenetic location: 5q33.1.
Variant type: single nucleotide variant.
Coding change: c.311A>G on transcript NM_000171.4 (MANE Select); coding-DNA position 311, A replaced by G.
Protein change: p.Asn104Ser; replaces asparagine 104 with serine.
Molecular consequence: missense variant.
Genome position (GRCh38, 1-based): chr5:151,859,950, T>C on the plus strand (A>G on the coding strand, the complement: GLRA1 is on the minus strand). VCF-style: chr5-151859950-T-C. GRCh37 (hg19) VCF-style: chr5-151239511-T-C.
Other names: c.62A>G, p.Asn21Ser (NM_001292000.2); c.311A>G, p.Asn104Ser (NM_001146040.2); short protein forms N104S, N21S.
Identifiers: ClinVar variation 2764256 (VCV002764256.3), dbSNP rs2479991496, ClinGen allele CA361841990.

ClinVar aggregate classification (germline): Uncertain significance (1 of 4 stars; one submission).

Conditions:
Hereditary hyperekplexia. Identifiers: Orphanet 3197, MedGen C4084968, MONDO:0021022.

Allele frequency attached by ClinVar (database versions not stated): gnomAD exomes below 0.00001.
gnomAD v4.1: 2 of 1,614,116 alleles (0.00012%); highest among the groups gnomAD compares: Non-Finnish European, 0.00017%; no homozygotes.

Submission:

Labcorp Genetics (formerly Invitae), Labcorp
Classification: Uncertain significance for Hereditary hyperekplexia. Last evaluated: 2024-01-11. Review status: criteria provided, single submitter. Criteria: Invitae Variant Classification Sherloc (09022015). Collection method: clinical testing. Allele origin: germline.
Comment: This sequence change replaces asparagine, which is neutral and polar, with serine, which is neutral and polar, at codon 104 of the GLRA1 protein (p.Asn104Ser). This variant is not present in population databases (gnomAD no frequency). This variant has not been reported in the literature in individuals affected with GLRA1-related conditions. Advanced modeling of protein sequence and biophysical properties (such as structural, functional, and spatial information, amino acid conservation, physicochemical variation, residue mobility, and thermodynamic stability) performed at Invitae indicates that this missense variant is not expected to disrupt GLRA1 protein function with a negative predictive value of 95%. In summary, the available evidence is currently insufficient to determine the role of this variant in disease. Therefore, it has been classified as a Variant of Uncertain Significance.